The following is an entry in ClinVar:

ClinVar aggregate classification (germline): Likely benign. Review status: criteria provided, single submitter (1 of 4 stars). 2 submissions from 2 submitters: Likely benign (1). 1 of the submissions does not count toward it. Last evaluated 2026-01-01.

Conditions:
Meckel-Gruber syndrome. Also called: Dysencephalia splachnocystica; GRUBER SYNDROME; DYSENCEPHALIA SPLANCHNOCYSTICA. Identifiers: Orphanet 564, MedGen C0265215, MONDO:0018921.
Joubert syndrome. Also called: Familial aplasia of the vermis; JOUBERT-BOLTSHAUSER SYNDROME. Identifiers: Orphanet 475, MedGen C5979921, MONDO:0018772.
RPGRIP1L-related disorder. Also called: RPGRIP1L-related condition; RPGRIP1L-related disorders. Identifiers: MedGen CN239416.

Allele frequency attached by ClinVar (database versions not stated): TOPMed below 0.00001; gnomAD exomes 0.00004 and 0.00001; gnomAD 0.00002; ExAC 0.00005.
gnomAD v4.1: 23 of 1,613,918 alleles (0.0014%); highest among the groups gnomAD compares: South Asian, 0.024%; 1 homozygote.

Submissions (2):

Labcorp Genetics (formerly Invitae), Labcorp
Classification: Likely benign for Joubert syndrome; Meckel-Gruber syndrome. Last evaluated: 2026-01-01. Review status: criteria provided, single submitter. Criteria: Invitae Variant Classification Sherloc (09022015). Collection method: clinical testing. Allele origin: germline.

PreventionGenetics, part of Exact Sciences
Classification: Likely benign for RPGRIP1L-related condition. Last evaluated: 2021-11-11. Review status: no assertion criteria provided. Collection method: clinical testing. Allele origin: germline. Not counted in ClinVar's aggregate classification.
Comment: This variant is classified as likely benign based on ACMG/AMP sequence variant interpretation guidelines (Richards et al. 2015 PMID: 25741868, with internal and published modifications).

NM_015272.5(RPGRIP1L):c.201T>C (p.His67=)

Gene: RPGRIP1L (RPGRIP1 like; minus strand). Cytogenetic location: 16q12.2.
Variant type: single nucleotide variant.
Coding change: c.201T>C on transcript NM_015272.5 (MANE Select); coding-DNA position 201, T replaced by C.
Protein change: p.His67=; no amino-acid change (histidine 67 retained).
Molecular consequence: synonymous variant.
Genome position (GRCh38, 1-based): chr16:53,696,180, A>G on the plus strand (T>C on the coding strand, the complement: RPGRIP1L is on the minus strand). VCF-style: chr16-53696180-A-G. GRCh37 (hg19) VCF-style: chr16-53730092-A-G.
Other names: c.201T>C (NM_015272.4); c.201T>C, p.His67= (NM_001127897.4, NM_001308334.3, NM_001328422.2 and 2 more transcripts).
Identifiers: ClinVar variation 1084747 (VCV001084747.11), dbSNP rs762755851, ClinGen allele CA8058190.